The following is an entry in ClinVar:

ClinVar aggregate classification (germline): Uncertain significance (1 of 4 stars; one submission).

Conditions:
Torsion dystonia 6 (DYT6). Also called: DYT-THAP1. Identifiers: Orphanet 98806, MedGen C1414216, MONDO:0011264, OMIM 602629.

Submission:

Labcorp Genetics (formerly Invitae), Labcorp
Classification: Uncertain significance for Torsion dystonia 6. Last evaluated: 2022-05-14. Review status: criteria provided, single submitter. Criteria: Invitae Variant Classification Sherloc (09022015). Collection method: clinical testing. Allele origin: germline.
Comment: In summary, the available evidence is currently insufficient to determine the role of this variant in disease. Therefore, it has been classified as a Variant of Uncertain Significance. This variant disrupts the p.Pro202 amino acid residue in THAP1. Other variant(s) that disrupt this residue have been observed in individuals with THAP1-related conditions (PMID: 33175450), which suggests that this may be a clinically significant amino acid residue. Algorithms developed to predict the effect of missense changes on protein structure and function (SIFT, PolyPhen-2, Align-GVGD) all suggest that this variant is likely to be tolerated. This missense change has been observed in individual(s) with clinical features of THAP1-related conditions (Invitae). This variant is not present in population databases (gnomAD no frequency). This sequence change replaces proline, which is neutral and non-polar, with serine, which is neutral and polar, at codon 202 of the THAP1 protein (p.Pro202Ser).

Literature cited by the submitters: PubMed 33175450.

NM_018105.3(THAP1):c.604C>T (p.Pro202Ser)

Gene: THAP1 (THAP domain containing 1; minus strand). Cytogenetic location: 8p11.21.
Variant type: single nucleotide variant.
Coding change: c.604C>T on transcript NM_018105.3 (MANE Select); coding-DNA position 604, C replaced by T.
Protein change: p.Pro202Ser; replaces proline 202 with serine.
Molecular consequence: missense variant. On other transcripts: 3 prime UTR variant (1).
Genome position (GRCh38, 1-based): chr8:42,838,000, G>A on the plus strand (C>T on the coding strand, the complement: THAP1 is on the minus strand). VCF-style: chr8-42838000-G-A. GRCh37 (hg19) VCF-style: chr8-42693143-G-A.
Other names: c.*246C>T (NM_199003.2); short protein forms P202S.
Identifiers: ClinVar variation 2086986 (VCV002086986.4), dbSNP rs2487026389, ClinGen allele CA371106358.